The following is an entry in ClinVar:

NM_006514.4(SCN10A):c.3002_3005del (p.Glu1001fs)

Genes: SCN10A (sodium voltage-gated channel alpha subunit 10; minus strand), LOC110121288 (VISTA enhancer hs2268; plus strand). Cytogenetic location: 3p22.2.
Variant type: Deletion.
Coding change: c.3002_3005del on transcript NM_006514.4 (MANE Select); coding-DNA positions 3002 to 3005, 4 bases deleted (AGGG; older notation c.3002_3005delAGGG).
Protein change: p.Glu1001fs; shifts the reading frame from glutamic acid 1001.
Molecular consequence: frameshift variant.
Genome position (GRCh38, 1-based): chr3:38,726,688-38,726,691, CCCT deleted on the plus strand (AGGG on the coding strand, the reverse complement: SCN10A is on the minus strand); deleting any 4 consecutive bases within chr3:38,726,688-38,726,692 gives the same sequence; the c. name uses the placement nearest the transcript's 3' end. VCF-style (leftmost placement, unchanged base first): chr3-38726687-ACCCT-A. GRCh37 (hg19) VCF-style: chr3-38768178-ACCCT-A.
Other names: c.3002_3005del, p.Glu1001fs (NM_001293306.2); c.2708_2711del, p.Glu903fs (NM_001293307.2); short protein forms E1001fs, E903fs.
Identifiers: ClinVar variation 1385028 (VCV001385028.6), dbSNP rs2126001175, ClinGen allele CA2573136289.
Genomic context (GRCh38, chr3:38,726,687, plus strand): 5'-CTGCTGGAAGCTCTGAGCATCTTCCCCACCATCATCCTCCAAGTCATCAAGATCAGATTC[ACCCT>A]CAGCAATGGGCACAGAGACCCACACAGTCGGATTAGCGATGAAGTCACTGTGCTCATCCC-3'

ClinVar aggregate classification (germline): Uncertain significance (1 of 4 stars; one submission).

Conditions:
Brugada syndrome. Also called: Sudden unexplained nocturnal death syndrome; Sudden unexpected nocturnal death syndrome; Sudden Unexplained Death Syndrome; Sudden Unexplained Nocturnal Death Syndrome (SUNDS). Identifiers: Orphanet 130, MedGen C1142166, MONDO:0015263.

Submission:

Labcorp Genetics (formerly Invitae), Labcorp
Classification: Uncertain significance for Brugada syndrome. Last evaluated: 2021-05-30. Review status: criteria provided, single submitter. Criteria: Invitae Variant Classification Sherloc (09022015). Collection method: clinical testing. Allele origin: germline.
Comment: This variant is not present in population databases (ExAC no frequency). This sequence change creates a premature translational stop signal (p.Glu1001Valfs*23) in the SCN10A gene. It is expected to result in an absent or disrupted protein product. However, the current clinical and genetic evidence is not sufficient to establish whether loss-of-function variants in SCN10A cause disease. This variant has not been reported in the literature in individuals with SCN10A-related conditions. In summary, the available evidence is currently insufficient to determine the role of this variant in disease. Therefore, it has been classified as a Variant of Uncertain Significance.